The following is an entry in ClinVar:

ClinVar aggregate classification (germline): Uncertain significance. Review status: criteria provided, multiple submitters, no conflicts (2 of 4 stars). 2 submissions from 2 submitters: Uncertain significance (2). Last evaluated 2026-06-19.

Conditions:
Mucopolysaccharidosis type 6 (MPS6). Also called: MPS 6; Maroteaux Lamy syndrome; MPS VI; N-ACETYLGALACTOSAMINE-4-SULFATASE DEFICIENCY; ARSB DEFICIENCY; ARYLSULFATASE B DEFICIENCY. Identifiers: Orphanet 583, MedGen C0026709, MONDO:0009661, OMIM 253200.

Submissions (2):

Women's Health and Genetics/Laboratory Corporation of America, LabCorp
Classification: Uncertain significance. Last evaluated: 2026-06-19. Review status: criteria provided, single submitter. Criteria: LabCorp Variant Classification Summary - May 2015. Collection method: clinical testing. Allele origin: germline.
Comment: Variant summary: ARSB c.260C>G (p.Thr87Arg) results in a non-conservative amino acid change in the encoded protein sequence. Algorithms developed to predict the effect of missense changes on protein structure and function all suggest that this variant is likely to be disruptive. The variant was absent in 173184 control chromosomes. c.260C>G has been observed in the homozygous state in an individual in a cohort of patients with a clinical and/or biochemical diagnosis of an MPS (Pollard_2013). These data indicate that the variant may be associated with disease. To our knowledge, no experimental evidence demonstrating an impact on protein function has been reported. The following publication has been ascertained in the context of this evaluation (PMID: 22976768). ClinVar contains an entry for this variant (Variation ID: 559751). Based on the evidence outlined above, the variant was classified as VUS-possibly pathogenic.

Laboratory of Diagnosis and Therapy of Lysosomal Disorders, University of Padova
Classification: Uncertain significance for Mucopolysaccharidosis type 6. Last evaluated: 2018-01-01. Review status: criteria provided, single submitter. Criteria: ACMG Guidelines, 2015. Collection method: curation. Allele origin: germline. Affected: yes.
Comment: Absent from GnomAD (PM2)

Literature cited by the submitters: PubMed 22976768 (cited by Women's Health and Genetics/Laboratory Corporation of America, LabCorp and Laboratory of Diagnosis and Therapy of Lysosomal Disorders, University of Padova); PubMed 30118150 (cited by Laboratory of Diagnosis and Therapy of Lysosomal Disorders, University of Padova).

NM_000046.5(ARSB):c.260C>G (p.Thr87Arg)

Genes: ARSB (arylsulfatase B; minus strand), LOC129994126 (ATAC-STARR-seq lymphoblastoid silent region 16127; plus strand). Cytogenetic location: 5q14.1.
Variant type: single nucleotide variant.
Coding change: c.260C>G on transcript NM_000046.5 (MANE Select); coding-DNA position 260, C replaced by G.
Protein change: p.Thr87Arg; replaces threonine 87 with arginine.
Molecular consequence: missense variant.
Genome position (GRCh38, 1-based): chr5:78,984,989, G>C on the plus strand (C>G on the coding strand, the complement: ARSB is on the minus strand). VCF-style: chr5-78984989-G-C. GRCh37 (hg19) VCF-style: chr5-78280812-G-C.
Other names: c.260C>G, p.Thr87Arg (NM_198709.3); short protein forms T87R.
Identifiers: ClinVar variation 559751 (VCV000559751.2), dbSNP rs1413561387, ClinGen allele CA360196512.